The following is an entry in ClinVar:

NM_006662.3(SRCAP):c.8130G>A (p.Ser2710=)

Gene: SRCAP (Snf2 related CREBBP activator protein; plus strand). Cytogenetic location: 16p11.2.
Variant type: single nucleotide variant.
Coding change: c.8130G>A on transcript NM_006662.3 (MANE Select); coding-DNA position 8130, G replaced by A.
Protein change: p.Ser2710=; no amino-acid change (serine 2710 retained).
Molecular consequence: synonymous variant.
Genome position (GRCh38, 1-based): chr16:30,738,170, G>A. VCF-style: chr16-30738170-G-A. GRCh37 (hg19) VCF-style: chr16-30749491-G-A.
Identifiers: ClinVar variation 2184300 (VCV002184300.28), dbSNP rs200346280, ClinGen allele CA8012623.
Genomic context (GRCh38, chr16:30,738,170, plus strand): 5'-ACAGGAACTCGTTACAGCTGAGGTTGCAGCTCCATCCACCTCATCTTCAGCCACTTCCTC[G>A]CCTGAGGGTCCTTCACCTGCCCGACCTCCTCGGCGTCGCACCAGTGCTGATGTGGAAATT-3'
Protein context (NP_006653.2, residues 2700-2720): APSTSSSATS[Ser2710=]PEGPSPARPP

ClinVar aggregate classification (germline): Likely benign. Review status: criteria provided, multiple submitters, no conflicts (2 of 4 stars). 2 submissions from 2 submitters: Likely benign (2). Last evaluated 2023-03-01.

Allele frequency attached by ClinVar (database versions not stated): gnomAD 0.00004; gnomAD exomes 0.00004; ExAC 0.00005; TOPMed 0.00005; 1000 Genomes Project 30x 0.00031; 1000 Genomes Project 0.00040.

Submissions (2):

CeGaT Center for Human Genetics Tuebingen
Classification: Likely benign. Last evaluated: 2023-03-01. Review status: criteria provided, single submitter. Criteria: CeGaT Center For Human Genetics Tuebingen Variant Classification Criteria Version 2. Collection method: clinical testing. Allele origin: germline. Affected: yes. Observed: 1 variant allele.
Comment: SRCAP: BP4, BP7

Labcorp Genetics (formerly Invitae), Labcorp
Classification: Likely benign. Last evaluated: 2022-03-17. Review status: criteria provided, single submitter. Criteria: Invitae Variant Classification Sherloc (09022015). Collection method: clinical testing. Allele origin: germline.